The following is an entry in ClinVar:

ClinVar aggregate classification (germline): Pathogenic (1 of 4 stars; one submission).

Allele frequency attached by ClinVar (database versions not stated): gnomAD exomes below 0.00001.

Submission:

Labcorp Genetics (formerly Invitae), Labcorp
Classification: Pathogenic. Last evaluated: 2023-11-27. Review status: criteria provided, single submitter. Criteria: Invitae Variant Classification Sherloc (09022015). Collection method: clinical testing. Allele origin: germline.
Comment: This sequence change creates a premature translational stop signal (p.Gln307*) in the ACY1 gene. It is expected to result in an absent or disrupted protein product. Loss-of-function variants in ACY1 are known to be pathogenic (PMID: 16465618, 21414403, 24997716). This variant is present in population databases (no rsID available, gnomAD 0.003%). This variant has not been reported in the literature in individuals affected with ACY1-related conditions. ClinVar contains an entry for this variant (Variation ID: 1993283). Algorithms developed to predict the effect of sequence changes on RNA splicing suggest that this variant may disrupt the consensus splice site. For these reasons, this variant has been classified as Pathogenic.

Literature cited by the submitters: PubMed 16465618; PubMed 21414403; PubMed 24997716.

NM_000666.3(ACY1):c.919C>T (p.Gln307Ter)

Genes: ABHD14A-ACY1 (ABHD14A-ACY1 readthrough; plus strand), ACY1 (aminoacylase 1; plus strand). Cytogenetic location: 3p21.2.
Variant type: single nucleotide variant.
Coding change: c.919C>T on transcript NM_000666.3 (MANE Select); coding-DNA position 919, C replaced by T.
Protein change: p.Gln307Ter; replaces glutamine 307 with a stop codon.
Molecular consequence: nonsense.
Genome position (GRCh38, 1-based): chr3:51,987,622, C>T. VCF-style: chr3-51987622-C-T. GRCh37 (hg19) VCF-style: chr3-52021638-C-T.
Other names: c.1189C>T, p.Gln397Ter (NM_001316331.2); c.919C>T, p.Gln307Ter (NM_001198895.2); c.703C>T, p.Gln235Ter (NM_001198896.2); c.724C>T, p.Gln242Ter (NM_001198897.2); c.814C>T, p.Gln272Ter (NM_001198898.2); short protein forms Q235*, Q272*, Q307*, Q242*, Q397*.
Identifiers: ClinVar variation 1993283 (VCV001993283.4), dbSNP rs1489216585, ClinGen allele CA353092872.